The following is an entry in ClinVar:

ClinVar aggregate classification (germline): Uncertain significance (1 of 4 stars; one submission).

Submission:

GeneDx
Classification: Uncertain significance. Last evaluated: 2025-03-11. Review status: criteria provided, single submitter. Criteria: GeneDx Variant Classification Process June 2021. Collection method: clinical testing. Allele origin: germline. Affected: yes.
Comment: Not observed at significant frequency in large population cohorts (gnomAD); In silico analysis supports that this missense variant has a deleterious effect on protein structure/function; Has not been previously published as pathogenic or benign to our knowledge

NM_001458.5(FLNC):c.1588G>T (p.Asp530Tyr)

Gene: FLNC (filamin C; plus strand). Cytogenetic location: 7q32.1.
Variant type: single nucleotide variant.
Coding change: c.1588G>T on transcript NM_001458.5 (MANE Select); coding-DNA position 1588, G replaced by T.
Protein change: p.Asp530Tyr; replaces aspartic acid 530 with tyrosine.
Molecular consequence: missense variant.
Genome position (GRCh38, 1-based): chr7:128,840,586, G>T. VCF-style: chr7-128840586-G-T. GRCh37 (hg19) VCF-style: chr7-128480640-G-T.
Other names: c.1588G>T, p.Asp530Tyr (NM_001127487.2); short protein forms D530Y.
Identifiers: ClinVar variation 4083049 (VCV004083049.1).